The following is an entry in ClinVar:

ClinVar aggregate classification (germline): Conflicting classifications of pathogenicity. Review status: criteria provided, conflicting classifications (1 of 4 stars). 7 submissions from 7 submitters: Uncertain significance (2); Benign (1); Likely benign (1). 3 of the submissions do not count toward it. Last evaluated 2026-01-20.

Conditions:
Auditory neuropathy spectrum disorder. Identifiers: MedGen C2732267.
Autosomal recessive nonsyndromic hearing loss 9. Also called: NEUROSENSORY NONSYNDROMIC RECESSIVE DEAFNESS 9; Deafness, autosomal recessive 9; OTOF-Related Hearing Loss; AUDITORY NEUROPATHY, AUTOSOMAL RECESSIVE, 1, TEMPERATURE-SENSITIVE. Identifiers: Orphanet 90636, MedGen C1832828, MONDO:0010986, OMIM 601071.

Allele frequency attached by ClinVar (database versions not stated): gnomAD 0.00016 and 0.00011; ExAC 0.00021; gnomAD exomes 0.00022 and 0.00010; 1000 Genomes Project 30x 0.00062; 1000 Genomes Project 0.00080; TOPMed 0.00015.
gnomAD v4.1: 168 of 1,613,946 alleles (0.01%); highest among the groups gnomAD compares: East Asian, 0.32%; no homozygotes.

Submissions (7):

Labcorp Genetics (formerly Invitae), Labcorp
Classification: Benign. Last evaluated: 2026-01-20. Review status: criteria provided, single submitter. Criteria: Invitae Variant Classification Sherloc (09022015). Collection method: clinical testing. Allele origin: germline.

CeGaT Center for Human Genetics Tuebingen
Classification: Uncertain significance. Last evaluated: 2025-07-01. Review status: criteria provided, single submitter. Criteria: CeGaT Center For Human Genetics Tuebingen Variant Classification Criteria Version 2. Collection method: clinical testing. Allele origin: germline. Affected: yes. Observed: 2 variant alleles.
Comment: OTOF: PM2

Illumina Laboratory Services, Illumina
Classification: Uncertain significance for Autosomal recessive nonsyndromic hearing loss 9. Last evaluated: 2017-10-01. Review status: criteria provided, single submitter. Criteria: ICSL Variant Classification Criteria 13 December 2019. Collection method: clinical testing. Allele origin: germline.
Comment: This variant was observed as part of a predisposition screen in an ostensibly healthy population. A literature search was performed for the gene, cDNA change, and amino acid change (where applicable). Publications were found based on this search. However, the evidence from the literature, in combination with allele frequency data from public databases where available, was not sufficient to rule this variant in or out of causing disease. Therefore, this variant is classified as a variant of unknown significance.

Laboratory for Molecular Medicine, Mass General Brigham Personalized Medicine
Classification: Likely benign. Last evaluated: 2015-04-13. Review status: criteria provided, single submitter. Criteria: LMM Criteria. Collection method: clinical testing. Allele origin: germline. Observed: 2 variant alleles.
Comment: proposed classification - variant undergoing re-assessment, contact laboratory

Diagnosis and Treatment Center of Genetic Hearing Loss, Eye & ENT Hospital of Fudan University
Classification: VUS-low for Autosomal recessive nonsyndromic hearing loss 9. Last evaluated: 2026-02-04. Review status: no assertion criteria provided. Collection method: clinical testing. Allele origin: germline. Inheritance: Autosomal recessive inheritance. Affected: yes. Not counted in ClinVar's aggregate classification.
Comment: The c.1194T>A missense variant in OTOF has been reported in four patients: two with pathogenic variants (c.1194T>A, c.1702delC) but the cis/trans phase could not be determined. And two with VUS (c.[1194T>A];[3515G>A], c.[1194T>A];[2567A>T]) (PM3, PMIDs: 34424407, 31486067, 31095577). It segregates in two affected family members (PP1). The population frequency is 0.0029 (BS1_Supporting). The REVEL score is 0.465.

Department of Otolaryngology, Head and Neck Surgery, Beijing Friendship Hospital, Capital Medical University
Classification: Pathogenic for Auditory neuropathy spectrum disorder. Last evaluated: 2020-08-15. Review status: no assertion criteria provided. Collection method: clinical testing. Allele origin: inherited. Inheritance: Autosomal recessive inheritance. Affected: yes. Not counted in ClinVar's aggregate classification.

GeneReviews
No classification provided. Condition: Autosomal recessive nonsyndromic hearing loss 9. Review status: no classification provided. Collection method: literature only. Allele origin: unknown. Not counted in ClinVar's aggregate classification.

Literature cited by the submitters: PubMed 20504331 (cited by 3 submitters); PubMed 26763877 (cited by Illumina Laboratory Services, Illumina); PubMed 21935370 (cited by Illumina Laboratory Services, Illumina); PubMed 27082237 (cited by Illumina Laboratory Services, Illumina); PubMed 24053799 (cited by Illumina Laboratory Services, Illumina); PubMed 20301429 (cited by Illumina Laboratory Services, Illumina and GeneReviews); PubMed 34424407 (cited by Diagnosis and Treatment Center of Genetic Hearing Loss, Eye & ENT Hospital of Fudan University); PubMed 31486067 (cited by Diagnosis and Treatment Center of Genetic Hearing Loss, Eye & ENT Hospital of Fudan University); PubMed 31095577 (cited by Diagnosis and Treatment Center of Genetic Hearing Loss, Eye & ENT Hospital of Fudan University); NCBI Bookshelf NBK1251 (cited by GeneReviews).

NM_194248.3(OTOF):c.1194T>A (p.Asp398Glu)

Gene: OTOF (otoferlin; minus strand). Cytogenetic location: 2p23.3.
Variant type: single nucleotide variant.
Coding change: c.1194T>A on transcript NM_194248.3 (MANE Select); coding-DNA position 1194, T replaced by A.
Protein change: p.Asp398Glu; replaces aspartic acid 398 with glutamic acid.
Molecular consequence: missense variant.
Genome position (GRCh38, 1-based): chr2:26,484,485, A>T on the plus strand (T>A on the coding strand, the complement: OTOF is on the minus strand). VCF-style: chr2-26484485-A-T. GRCh37 (hg19) VCF-style: chr2-26707353-A-T.
Other names: c.1194T>A, p.Asp398Glu (NM_001287489.2); short protein forms D398E.
Identifiers: ClinVar variation 48166 (VCV000048166.34), dbSNP rs181805996, ClinGen allele CA142734.